The following is an entry in ClinVar:

NM_000020.3(ACVRL1):c.1030T>C (p.Cys344Arg)

Gene: ACVRL1 (activin A receptor like type 1; plus strand). Cytogenetic location: 12q13.13.
Variant type: single nucleotide variant.
Coding change: c.1030T>C on transcript NM_000020.3 (MANE Select); coding-DNA position 1030, T replaced by C.
Protein change: p.Cys344Arg; replaces cysteine 344 with arginine.
Molecular consequence: missense variant.
Genome position (GRCh38, 1-based): chr12:51,915,482, T>C. VCF-style: chr12-51915482-T-C. GRCh37 (hg19) VCF-style: chr12-52309266-T-C.
Other names: c.1030T>C, p.Cys344Arg (NM_001077401.2); short protein forms C344R.
Identifiers: ClinVar variation 656236 (VCV000656236.11), dbSNP rs1592224412, ClinGen allele CA384901730.
Genomic context (GRCh38, chr12:51,915,482, plus strand): 5'-CCAGCCATTGCCCACCGCGACTTCAAGAGCCGCAATGTGCTGGTCAAGAGCAACCTGCAG[T>C]GTTGCATCGCCGACCTGGGTGAGCCGGGCGGGGCAGGGGCGCGCCCTTCACAGGTGGGCG-3'
Protein context (NP_000011.2, residues 334-354): RNVLVKSNLQ[Cys344Arg]CIADLGLAVM

ClinVar aggregate classification (germline): Pathogenic/Likely pathogenic. Review status: criteria provided, multiple submitters, no conflicts (2 of 4 stars). 3 submissions from 3 submitters: Pathogenic (1); Likely pathogenic (1). 1 of the submissions does not count toward it. Last evaluated 2025-05-15.

Conditions:
Telangiectasia, hereditary hemorrhagic, type 2 (HHT2). Also called: ACVRL1-Related Hereditary Hemorrhagic Telangiectasia; Telangiectasia, hereditary hemorrhagic, type II. Identifiers: Orphanet 774, MedGen C1838163, MONDO:0010880, OMIM 600376. Disease mechanism: loss of function.
Pulmonary arterial hypertension. Identifiers: Orphanet 182090, MedGen C2973725, MeSH D000081029, MONDO:0015924, HP:0002092.
Cardiovascular phenotype. Identifiers: MedGen CN230736.

Submissions (3):

Labcorp Genetics (formerly Invitae), Labcorp
Classification: Pathogenic for Telangiectasia, hereditary hemorrhagic, type 2. Last evaluated: 2025-05-15. Review status: criteria provided, single submitter. Criteria: Invitae Variant Classification Sherloc (09022015). Collection method: clinical testing. Allele origin: germline.
Comment: This sequence change replaces cysteine, which is neutral and slightly polar, with arginine, which is basic and polar, at codon 344 of the ACVRL1 protein (p.Cys344Arg). This variant is not present in population databases (gnomAD no frequency). This missense change has been observed in individuals with hereditary hemorrhagic telangiectasia (HHT) (PMID: 16470787, 16752392, 18673552, 19767588). It has also been observed to segregate with disease in related individuals. ClinVar contains an entry for this variant (Variation ID: 656236). Invitae Evidence Modeling of protein sequence and biophysical properties (such as structural, functional, and spatial information, amino acid conservation, physicochemical variation, residue mobility, and thermodynamic stability) indicates that this missense variant is expected to disrupt ACVRL1 protein function with a positive predictive value of 95%. This variant disrupts the p.Cys344 amino acid residue in ACVRL1. Other variant(s) that disrupt this residue have been determined to be pathogenic (PMID: 10767348, 12114496, 14684682, 15880681, 16540754, 16542389, 17384219). This suggests that this residue is clinically significant, and that variants that disrupt this residue are likely to be disease-causing. For these reasons, this variant has been classified as Pathogenic.

Ambry Genetics
Classification: Likely pathogenic for Cardiovascular phenotype. Last evaluated: 2022-10-24. Review status: criteria provided, single submitter. Criteria: Ambry Variant Classification Scheme 2023. Collection method: clinical testing. Allele origin: germline.
Comment: The p.C344R variant (also known as c.1030T>C), located in coding exon 6 of the ACVRL1 gene, results from a T to C substitution at nucleotide position 1030. The cysteine at codon 344 is replaced by arginine, an amino acid with highly dissimilar properties. This alteration has been reported in multiple individuals and families with confirmed or suspected HHT (Bossler AD et al. Hum. Mutat., 2006 Jul;27:667-75; Gedge F et al. J Mol Diagn, 2007 Apr;9:258-65; Bayrak-Toydemir P et al. Am. J. Med. Genet. A, 2006 Mar;140:463-70; McDonald J et al. J Mol Diagn, 2009 Nov;11:569-75; Ruiz-Llorente L et al. J Clin Med. 2020 Sep;9(9)), and in a pulmonary arterial hypertension cohort (Gr&auml;f S et al. Nat Commun. 2018 04;9(1):1416). This amino acid position is highly conserved in available vertebrate species. In addition, this alteration is predicted to be deleterious by in silico analysis. Based on the majority of available evidence to date, this variant is likely to be pathogenic.

NIHR Bioresource Rare Diseases, University of Cambridge
Classification: Pathogenic for Pulmonary arterial hypertension. Review status: no assertion criteria provided. Collection method: research. Allele origin: unknown. Affected: yes. Observed: 1 variant allele. Not counted in ClinVar's aggregate classification.

Literature cited by the submitters: PubMed 16470787 (cited by Labcorp Genetics (formerly Invitae), Labcorp and Ambry Genetics); PubMed 16752392 (cited by Labcorp Genetics (formerly Invitae), Labcorp and Ambry Genetics); PubMed 18673552 (cited by Labcorp Genetics (formerly Invitae), Labcorp); PubMed 19767588 (cited by Labcorp Genetics (formerly Invitae), Labcorp and Ambry Genetics); PubMed 10767348 (cited by Labcorp Genetics (formerly Invitae), Labcorp); PubMed 12114496 (cited by Labcorp Genetics (formerly Invitae), Labcorp); PubMed 14684682 (cited by Labcorp Genetics (formerly Invitae), Labcorp); PubMed 15880681 (cited by Labcorp Genetics (formerly Invitae), Labcorp); PubMed 16540754 (cited by Labcorp Genetics (formerly Invitae), Labcorp); PubMed 16542389 (cited by Labcorp Genetics (formerly Invitae), Labcorp); PubMed 17384219 (cited by Labcorp Genetics (formerly Invitae), Labcorp and Ambry Genetics); PubMed 18495117 (cited by Ambry Genetics); PubMed 29650961 (cited by Ambry Genetics); PubMed 32300199 (cited by Ambry Genetics); PubMed 32503579 (cited by Ambry Genetics); PubMed 32581362 (cited by Ambry Genetics and NIHR Bioresource Rare Diseases, University of Cambridge); PubMed 32899377 (cited by Ambry Genetics).